The following is an entry in ClinVar:

ClinVar aggregate classification (germline): Pathogenic (1 of 4 stars; one submission).

Submission:

Labcorp Genetics (formerly Invitae), Labcorp
Classification: Pathogenic. Last evaluated: 2021-11-14. Review status: criteria provided, single submitter. Criteria: Invitae Variant Classification Sherloc (09022015). Collection method: clinical testing. Allele origin: germline.
Comment: For these reasons, this variant has been classified as Pathogenic. This variant has not been reported in the literature in individuals affected with CDH23-related conditions. This variant is not present in population databases (gnomAD no frequency). This sequence change creates a premature translational stop signal (p.Leu508Serfs*3) in the CDH23 gene. It is expected to result in an absent or disrupted protein product. Loss-of-function variants in CDH23 are known to be pathogenic (PMID: 11138009, 21940737).

Literature cited by the submitters: PubMed 11138009; PubMed 21940737.

NM_022124.6(CDH23):c.1521_1542del (p.Leu508fs)

Gene: CDH23 (cadherin related 23; plus strand). Cytogenetic location: 10q22.1.
Variant type: Deletion.
Coding change: c.1521_1542del on transcript NM_022124.6 (MANE Select); coding-DNA positions 1521 to 1542, 22 bases deleted (GCTGGACAAGGACACGGGACTC).
Protein change: p.Leu508fs; shifts the reading frame from leucine 508.
Molecular consequence: frameshift variant.
Genome position (GRCh38, 1-based): chr10:71,677,462-71,677,483, GCTGGACAAGGACACGGGACTC deleted; deleting any 22 consecutive bases within chr10:71,677,459-71,677,483 gives the same sequence; the c. name uses the placement nearest the transcript's 3' end. VCF-style (leftmost placement, unchanged base first): chr10-71677458-TCTCGCTGGACAAGGACACGGGA-T. GRCh37 (hg19) VCF-style: chr10-73437215-TCTCGCTGGACAAGGACACGGGA-T.
Other names: c.1521_1542del, p.Leu508fs (NM_001171930.2, NM_001171931.2); short protein forms L508fs.
Identifiers: ClinVar variation 1353385 (VCV001353385.6), dbSNP rs2132669396, ClinGen allele CA2573145501.
Genomic context (GRCh38, chr10:71,677,458, plus strand): 5'-CAACAAGCCTGTTTTAAACCACGGTGTTCCTTCTCTCCATCCTCTCGGCCTGGCACAGGT[TCTCGCTGGACAAGGACACGGGA>T]CTCATCATGCTGATTGCCAGGCTGGACTATGAGCTCATCCAGCGCTTCACCCTGACGATC-3'